The following is an entry in ClinVar:

ClinVar aggregate classification (germline): Uncertain significance (1 of 4 stars; one submission).

Conditions:
Pitt-Hopkins-like syndrome 2 (PTHSL2). Identifiers: Orphanet 221150, Orphanet 600663, MedGen C3280479, MONDO:0013690, OMIM 614325.

gnomAD v4.1: 1 of 1,613,974 alleles (0.000062%); highest among the groups gnomAD compares: Non-Finnish European, 0.000085%; no homozygotes.

Submission:

Labcorp Genetics (formerly Invitae), Labcorp
Classification: Uncertain significance for Pitt-Hopkins-like syndrome 2. Last evaluated: 2025-12-24. Review status: criteria provided, single submitter. Criteria: Invitae Variant Classification Sherloc (09022015). Collection method: clinical testing. Allele origin: germline.
Comment: This sequence change replaces lysine, which is basic and polar, with glutamic acid, which is acidic and polar, at codon 694 of the NRXN1 protein (p.Lys694Glu). This variant is not present in population databases (gnomAD no frequency). This variant has not been reported in the literature in individuals affected with NRXN1-related conditions. An algorithm developed to predict the effect of missense changes on protein structure and function (PolyPhen-2) suggests that this variant is likely to be disruptive. In summary, the available evidence is currently insufficient to determine the role of this variant in disease. Therefore, it has been classified as a Variant of Uncertain Significance.

NM_001330078.2(NRXN1):c.1960A>G (p.Lys654Glu)

Gene: NRXN1 (neurexin 1; minus strand). Cytogenetic location: 2p16.3.
Variant type: single nucleotide variant.
Coding change: c.1960A>G on transcript NM_001330078.2 (MANE Select); coding-DNA position 1960, A replaced by G.
Protein change: p.Lys654Glu; replaces lysine 654 with glutamic acid.
Molecular consequence: missense variant.
Genome position (GRCh38, 1-based): chr2:50,538,436, T>C on the plus strand (A>G on the coding strand, the complement: NRXN1 is on the minus strand). VCF-style: chr2-50538436-T-C. GRCh37 (hg19) VCF-style: chr2-50765574-T-C.
Other names: c.2080A>G, p.Lys694Glu (NM_001135659.3); c.1936A>G, p.Lys646Glu (NM_001330077.2, NM_001330082.2, NM_001330095.2); c.1921A>G, p.Lys641Glu (NM_001330083.2, NM_001330084.2); c.1960A>G, p.Lys654Glu (NM_001330085.2, NM_001330086.2, NM_004801.6); c.1876A>G, p.Lys626Glu (NM_001330087.2, NM_001330096.2); c.1906A>G, p.Lys636Glu (NM_001330088.2); c.1957A>G, p.Lys653Glu (NM_001330093.2); c.1948A>G, p.Lys650Glu (NM_001330094.2); short protein forms K626E, K641E, K654E, K646E, K636E, K650E, K653E, K694E.
Identifiers: ClinVar variation 4778498 (VCV004778498.1).
Genomic context (GRCh38, chr2:50,538,436, plus strand): 5'-TTGAGCAGGAAGGCTTCACTCCAGCAGTACTTTGAACTTCAGCCATTTGCCGGATATCTT[T>C]GCTTTGGCCATCGATGAACAAATCCCTGATGCAGCCCACGTAGCCATAGTTGAGCAGAGC-3'
Protein context (NP_001317007.1, residues 644-664): IRDLFIDGQS[Lys654Glu]DIRQMAEVQS